The following is an entry in ClinVar:

ClinVar aggregate classification (germline): Likely pathogenic (1 of 4 stars; one submission).

Conditions:
Leber congenital amaurosis 5 (LCA5). Also called: Amaurosis congenita of Leber, type 5. Identifiers: Orphanet 65, MedGen C1858301, MONDO:0011473, OMIM 604537.

Submission:

Natera, Inc.
Classification: Likely pathogenic for Leber congenital amaurosis type 5. Last evaluated: 2024-07-08. Review status: criteria provided, single submitter. Criteria: Natera Variant Classification Schema (03/2026). Collection method: clinical testing. Allele origin: germline.
Comment: The c.1235G>A variant in LCA5 is a nonsense variant predicted to introduce a stop codon at amino acid 412. This variant is expected to result in nonsense mediated decay, truncation, or a dysfunctional protein product. This variant is rare in the general population with a frequency below the threshold expected for the associated phenotype(s). Given the available evidence, this variant is classified as Likely Pathogenic.

NM_001122769.3(LCA5):c.1235G>A (p.Trp412Ter)

Gene: LCA5 (lebercilin LCA5; minus strand). Cytogenetic location: 6q14.1.
Variant type: single nucleotide variant.
Coding change: c.1235G>A on transcript NM_001122769.3 (MANE Select); coding-DNA position 1235, G replaced by A.
Protein change: p.Trp412Ter; replaces tryptophan 412 with a stop codon.
Molecular consequence: nonsense.
Genome position (GRCh38, 1-based): chr6:79,487,863, C>T on the plus strand (G>A on the coding strand, the complement: LCA5 is on the minus strand). VCF-style: chr6-79487863-C-T. GRCh37 (hg19) VCF-style: chr6-80197580-C-T.
Other names: c.1235G>A, p.Trp412Ter (NM_181714.4); short protein forms W412*.
Identifiers: ClinVar variation 4816982 (VCV004816982.1).
Genomic context (GRCh38, chr6:79,487,863, plus strand): 5'-TCTTCTCTTTCCAGTAAAGATGCCTTTTCTTTTTGCTTTTTATCAAGTTCTTCTCTTTCC[C>T]ATTCTGTATGAAATCAAATTTTTTAAATGGGATTTTGTAACAGTCAATATTTTTAAATAG-3'